The following is an entry in ClinVar:

ClinVar aggregate classification (germline): Uncertain significance (1 of 4 stars; one submission).

Submission:

GeneDx
Classification: Uncertain significance. Last evaluated: 2022-09-01. Review status: criteria provided, single submitter. Criteria: GeneDx Variant Classification Process June 2021. Collection method: clinical testing. Allele origin: germline. Affected: yes.
Comment: Not observed at significant frequency in large population cohorts (gnomAD); In silico analysis supports that this variant does not alter protein structure/function; Has not been previously published as pathogenic or benign to our knowledge

NM_015100.4(POGZ):c.3662_3663delinsTT (p.Arg1221Leu)

Gene: POGZ (pogo transposable element derived with ZNF domain; minus strand). Cytogenetic location: 1q21.3.
Variant type: Indel.
Coding change: c.3662_3663delinsTT on transcript NM_015100.4 (MANE Select); coding-DNA positions 3662 to 3663, GC replaced by TT.
Protein change: p.Arg1221Leu; replaces arginine 1221 with leucine.
Molecular consequence: missense variant.
Genome position (GRCh38, 1-based): chr1:151,405,372-151,405,373, GC replaced by AA on the plus strand (GC replaced by TT on the coding strand, the reverse complement: POGZ is on the minus strand). VCF-style: chr1-151405372-GC-AA. GRCh37 (hg19) VCF-style: chr1-151377848-GC-AA.
Other names: c.3635_3636delinsTT, p.Arg1212Leu (NM_001194937.2); c.3476_3477delinsTT, p.Arg1159Leu (NM_001194938.2); c.3683_3684delGCinsTT, p.Arg1228Leu (NM_001410860.1); c.3377_3378delinsTT, p.Arg1126Leu (NM_145796.4); c.3503_3504delinsTT, p.Arg1168Leu (NM_207171.2); short protein forms R1126L, R1159L, R1168L, R1212L, R1221L, R1228L.
Identifiers: ClinVar variation 2442673 (VCV002442673.1), dbSNP rs2529198238, ClinGen allele CA2580061015.